The following is an entry in ClinVar:

NM_001492.6(GDF1):c.681C>A (p.Cys227Ter)

Genes: CERS1 (ceramide synthase 1; minus strand), GDF1 (growth differentiation factor 1; minus strand), UPF1 (UPF1 RNA helicase and ATPase; plus strand). Cytogenetic location: 19p13.11.
Variant type: single nucleotide variant.
Coding change: c.681C>A on transcript NM_001492.6 (MANE Select); coding-DNA position 681, C replaced by A.
Protein change: p.Cys227Ter; replaces cysteine 227 with a stop codon.
Molecular consequence: nonsense. On other transcripts: 3 prime UTR variant (2).
Genome position (GRCh38, 1-based): chr19:18,869,035, G>T on the plus strand (C>A on the coding strand, the complement: GDF1 is on the minus strand). VCF-style: chr19-18869035-G-T. GRCh37 (hg19) VCF-style: chr19-18979844-G-T.
Other names: c.*1542C>A (NM_001387440.1); c.*950C>A (NM_021267.5); c.681C>A, p.Cys227Ter (NM_001387438.1); short protein forms C227*.
Identifiers: ClinVar variation 6747 (VCV000006747.53), dbSNP rs121434422, ClinGen allele CA118482.

ClinVar aggregate classification (germline): Pathogenic/Likely pathogenic. Review status: criteria provided, multiple submitters, no conflicts (2 of 4 stars). 19 submissions from 18 submitters: Pathogenic (11); Likely pathogenic (5). 3 of the submissions do not count toward it. Last evaluated 2026-06-17.

Conditions:
GDF1-RELATED DISORDERS.
CERS1 & GDF1-related disorders.
GDF1-related disorder. Also called: GDF1-related condition.
Right atrial isomerism (RAI). Also called: IVEMARK SYNDROME. Identifiers: Orphanet 97548, MedGen C3178806, MONDO:0008832, OMIM 208530, HP:0011536.
Congenital heart defects, multiple types, 6 (CHTD6). Identifiers: Orphanet 860, MedGen C3151221, MONDO:0013463, OMIM 613854.
Transposition of the great arteries. Identifiers: Orphanet 216675, MedGen C0040761, MONDO:0000153, HP:0001669.

Allele frequency attached by ClinVar (database versions not stated): TOPMed 0.00050; gnomAD 0.00054 and 0.00058.
gnomAD v4.1: 1,012 of 1,073,414 alleles (0.094%); highest among the groups gnomAD compares: Non-Finnish European, 0.11%; no homozygotes.

Submissions 1 to 13 of 19:

Greenwood Genetic Center Diagnostic Laboratories, Greenwood Genetic Center
Classification: Pathogenic for Congenital heart defects, multiple types, 6. Last evaluated: 2026-06-17. Review status: criteria provided, single submitter. Criteria: ACMG Guidelines, 2015. Collection method: clinical testing. Allele origin: germline. Affected: yes.
Comment: PVS1_Strong, PM3_Strong, PP1

Clinical Genomics Laboratory, Washington University in St. Louis
Classification: Likely pathogenic for Congenital heart defects, multiple types, 6; Right atrial isomerism. Last evaluated: 2025-04-07. Review status: criteria provided, single submitter. Criteria: ACMG Guidelines, 2015. Collection method: clinical testing. Allele origin: germline. Affected: yes.
Comment: The GDF1 c.681C>A (p.Cys227*) variant has been reported in a heterozygous individual affected with transposition of the great arteries (Karkera JD et al., PMID: 17924340) and as a compound heterozygous variant in patients with congenital heart disease, including five siblings with right atrial isomerism who harbored a pathogenic variant in trans (Jin SC et al., PMID: 28991257; Kaasinen E et al., PMID: 20413652). Of note, the father of the affected siblings who harbored the c.681C>A (p.Cys227*) variant was considered healthy (Kaasinen E et al., PMID: 20413652). This variant causes a premature stop codon; however, because this occurs in the last exon, this is not predicted to lead to nonsense mediated decay. The highest population minor allele frequency in the population database genome aggregation database (v.4.1) is 0.14% in the European Finnish population. This variant has been reported in the ClinVar database as a germline pathogenic or likely pathogenic variant by eleven submitters (ClinVar Variation ID: 6747). Based on available information and the ACMG/AMP guidelines for variant interpretation (Richards S et al., PMID: 25741868), this variant is classified as likely pathogenic.

Variantyx, Inc.
Classification: Likely pathogenic for Right atrial isomerism. Last evaluated: 2025-03-10. Review status: criteria provided, single submitter. Criteria: Variantyx Assertion Criteria 2022. Collection method: clinical testing. Allele origin: germline. Inheritance: Autosomal recessive inheritance.
Comment: This is a nonsense variant in the GDF1 gene (OMIM: 602880). Pathogenic variants in this gene have been associated with autosomal dominant and autosomal recessive GDF1-related disorders. This variant introduces a premature termination codon in exon 8 out of and is expected to result in loss of function, which is a known disease mechanism for GDF1 in this disorder (PMID: 17924340, 20413652) (PVS1). It has been reported in the compound heterozygous state in two unrelated individuals with heterotaxy/right atrial isomerism (PMID: 28991257, 20413652) and it has been observed to segregate with disease in four additional individuals from a family (PMID: 20413652) (PP1_Moderate). In addition, this variant has been reported in the heterozygous state in an affected individual with transposition of the great arteries with no second variant identified in this gene (PMID: 17924340). The variant has a 0.1071% maximum allele frequency in non-founder control populations. It is unclear whether this frequency is lower or higher than expected for the prevalence of GDF1-related disorders. Based on the current evidence, this variant is classified as likely pathogenic for autosomal recessive right atrial isomerism

Blueprint Genetics
Classification: Pathogenic for CERS1 & GDF1-related disorders. Last evaluated: 2024-09-30. Review status: criteria provided, single submitter. Criteria: ACMG Guidelines, 2015. Collection method: clinical testing. Allele origin: germline. Affected: yes. Observed: 5 variant alleles.

Equipe Genetique des Anomalies du Developpement, Université de Bourgogne
Classification: Pathogenic for Right atrial isomerism. Last evaluated: 2024-09-03. Review status: criteria provided, single submitter. Criteria: ACMG Guidelines, 2015. Collection method: clinical testing. Allele origin: maternal. Affected: yes.
Comment: c.681C>A p.(Cys227Ter) is a nonsense variant in the last exon of GDF1, that likely evades nonsense-mediated mRNA decay (NMD). This variant was found in a compound heterozygous state. Biallelic GDF1 variants are linked to autosomal recessive right atrial isomerism (OMIM #208530). This phenotype is compatible with the clinical presentation of our patient. This variant is not present in the homozygous state in population database gnomAD (v4.1.0). This variant was previously reported in a compound heterozygous state in patients with right atrial isomerism (PMID : 14648004, 20413652, 28991257). It has been reported as pathogenic or likely pathogenic multiple times in ClinVar. Based on the evidence outlined above, the variant was classified as pathogenic.

Fulgent Genetics
Classification: Pathogenic for Right atrial isomerism; Congenital heart defects, multiple types, 6. Last evaluated: 2024-05-01. Review status: criteria provided, single submitter. Criteria: ACMG Guidelines, 2015. Collection method: clinical testing. Allele origin: germline.

CeGaT Center for Human Genetics Tuebingen
Classification: Pathogenic. Last evaluated: 2024-03-01. Review status: criteria provided, single submitter. Criteria: CeGaT Center For Human Genetics Tuebingen Variant Classification Criteria Version 2. Collection method: clinical testing. Allele origin: germline. Affected: yes. Observed: 2 variant alleles.
Comment: GDF1: PVS1:Strong, PM1, PM2, PM3

Labcorp Genetics (formerly Invitae), Labcorp
Classification: Pathogenic. Last evaluated: 2023-12-06. Review status: criteria provided, single submitter. Criteria: Invitae Variant Classification Sherloc (09022015). Collection method: clinical testing. Allele origin: germline.
Comment: This sequence change creates a premature translational stop signal (p.Cys227*) in the GDF1 gene. While this is not anticipated to result in nonsense mediated decay, it is expected to disrupt the last 146 amino acid(s) of the GDF1 protein. This variant is present in population databases (rs121434422, gnomAD 0.09%). This premature translational stop signal has been observed in individual(s) with heterotaxy syndrome (PMID: 20413652). It has also been observed to segregate with disease in related individuals. ClinVar contains an entry for this variant (Variation ID: 6747). This variant disrupts the p.Cys277 amino acid residue in GDF1. Other variant(s) that disrupt this residue have been determined to be pathogenic (PMID: 17924340, 17936261, 20413652). This suggests that this residue is clinically significant, and that variants that disrupt this residue are likely to be disease-causing. For these reasons, this variant has been classified as Pathogenic.

Revvity Omics, Revvity
Classification: Likely pathogenic. Last evaluated: 2023-11-22. Review status: criteria provided, single submitter. Criteria: ACMG Guidelines, 2015. Collection method: clinical testing. Allele origin: germline.

Institute of Human Genetics, Heidelberg University
Classification: Likely pathogenic for Right atrial isomerism. Last evaluated: 2023-11-20. Review status: criteria provided, single submitter. Criteria: ACMG Guidelines, 2015. Collection method: clinical testing. Allele origin: paternal. Affected: yes.

GeneDx
Classification: Pathogenic. Last evaluated: 2023-09-27. Review status: criteria provided, single submitter. Criteria: GeneDx Variant Classification Process June 2021. Collection method: clinical testing. Allele origin: germline. Affected: yes.
Comment: Nonsense variant predicted to result in protein truncation, as the last 146 amino acids are lost, and other loss-of-function variants have been reported downstream in HGMD; This variant is associated with the following publications: (PMID: 29429572, 32144877, 30679813, 34313030, 26258520, 18375573, 20497191, 19553149, 14648004, 20413652, 28991257, 34328347, 17924340)

Department of Pathology and Laboratory Medicine, Sinai Health System
Classification: Pathogenic for Congenital heart defects, multiple types, 6; Right atrial isomerism. Last evaluated: 2023-09-24. Review status: criteria provided, single submitter. Criteria: ACMG Guidelines, 2015. Collection method: research. Allele origin: germline.

Baylor Genetics
Classification: Pathogenic for Right atrial isomerism. Last evaluated: 2022-10-06. Review status: criteria provided, single submitter. Criteria: ACMG Guidelines, 2015. Collection method: clinical testing. Allele origin: unknown.